The following is an entry in ClinVar:

NM_052947.4(ALPK2):c.690T>G (p.Cys230Trp)

Genes: ALPK2 (alpha kinase 2; minus strand), LOC114803473 (ALPK2 eExon liver enhancer; plus strand). Cytogenetic location: 18q21.31.
Variant type: single nucleotide variant.
Coding change: c.690T>G on transcript NM_052947.4 (MANE Select); coding-DNA position 690, T replaced by G.
Protein change: p.Cys230Trp; replaces cysteine 230 with tryptophan.
Molecular consequence: missense variant.
Genome position (GRCh38, 1-based): chr18:58,580,086, A>C on the plus strand (T>G on the coding strand, the complement: ALPK2 is on the minus strand). VCF-style: chr18-58580086-A-C. GRCh37 (hg19) VCF-style: chr18-56247318-A-C.
Other names: short protein forms C230W.
Identifiers: ClinVar variation 1756126 (VCV001756126.2), dbSNP rs746588195, ClinGen allele CA8977405.

ClinVar aggregate classification (germline): Uncertain significance (1 of 4 stars; one submission).

gnomAD v4.1: 9 of 1,614,274 alleles (0.00056%); highest among the groups gnomAD compares: Non-Finnish European, 0.00076%; no homozygotes.

Submission:

Ambry Genetics
Classification: Uncertain significance. Last evaluated: 2022-06-04. Review status: criteria provided, single submitter. Criteria: Ambry Variant Classification Scheme 2023. Collection method: clinical testing. Allele origin: germline.
Comment: The p.C230W variant (also known as c.690T>G), located in coding exon 3 of the ALPK2 gene, results from a T to G substitution at nucleotide position 690. The cysteine at codon 230 is replaced by tryptophan, an amino acid with highly dissimilar properties. This amino acid position is conserved. In addition, this alteration is predicted to be tolerated by in silico analysis. Since supporting evidence is limited at this time, the clinical significance of this alteration remains unclear.